The following is an entry in ClinVar:

ClinVar aggregate classification (germline): Uncertain significance. Review status: criteria provided, multiple submitters, no conflicts (2 of 4 stars). 4 submissions from 4 submitters: Uncertain significance (4). Last evaluated 2025-12-15.

Conditions:
Autosomal recessive nonsyndromic hearing loss 53. Identifiers: Orphanet 90636, MedGen C1864746, MONDO:0012333, OMIM 609706.
Otospondylomegaepiphyseal dysplasia, autosomal recessive (OSMEDB). Also called: CHONDRODYSTROPHY WITH SENSORINEURAL DEAFNESS; Insley-Astley syndrome. Identifiers: Orphanet 1427, MedGen CN034493, MONDO:0044206, OMIM 215150.
Otospondylomegaepiphyseal dysplasia, autosomal dominant (OSMEDA). Also called: COL11A2-Related Stickler Syndrome; Stickler syndrome, type 3; Pierre Robin syndrome with fetal chondrodysplasia. Identifiers: Orphanet 166100, Orphanet 3450, MedGen C1848488, MONDO:0008490, OMIM 184840.
Fibrochondrogenesis 2 (FBCG2). Identifiers: Orphanet 2021, MedGen C3281128, MONDO:0013795, OMIM 614524.
Autosomal dominant nonsyndromic hearing loss 13. Identifiers: Orphanet 90635, MedGen C1866095, MONDO:0011159, OMIM 601868.

Allele frequency attached by ClinVar (database versions not stated): gnomAD exomes 0.00002 and 0.00003; ExAC 0.00003; gnomAD 0.00006; TOPMed 0.00007; ESP Exome Variant Server 0.00015.

Submissions (4):

Labcorp Genetics (formerly Invitae), Labcorp
Classification: Uncertain significance. Last evaluated: 2025-12-15. Review status: criteria provided, single submitter. Criteria: Invitae Variant Classification Sherloc (09022015). Collection method: clinical testing. Allele origin: germline.
Comment: This sequence change replaces arginine, which is basic and polar, with cysteine, which is neutral and slightly polar, at codon 93 of the COL11A2 protein (p.Arg93Cys). This variant is present in population databases (rs372449299, gnomAD 0.03%). This variant has not been reported in the literature in individuals affected with COL11A2-related conditions. ClinVar contains an entry for this variant (Variation ID: 1206629). Invitae Evidence Modeling of protein sequence and biophysical properties (such as structural, functional, and spatial information, amino acid conservation, physicochemical variation, residue mobility, and thermodynamic stability) indicates that this missense variant is not expected to disrupt COL11A2 protein function with a negative predictive value of 95%. In summary, the available evidence is currently insufficient to determine the role of this variant in disease. Therefore, it has been classified as a Variant of Uncertain Significance.

Women's Health and Genetics/Laboratory Corporation of America, LabCorp
Classification: Uncertain significance. Last evaluated: 2025-10-01. Review status: criteria provided, single submitter. Criteria: LabCorp Variant Classification Summary - May 2015. Collection method: clinical testing. Allele origin: germline.
Comment: Variant summary: COL11A2 c.277C>T (p.Arg93Cys) results in a non-conservative amino acid change in the encoded protein sequence. Algorithms developed to predict the effect of missense changes on protein structure and function are either unavailable or do not agree on the potential impact of this missense change. The variant allele was found at a frequency of 2.8e-05 in 250994 control chromosomes. The available data on variant occurrences in the general population are insufficient to allow any conclusion about variant significance. To our knowledge, no occurrence of c.277C>T in individuals affected with COL11A2-related conditions and no experimental evidence demonstrating its impact on protein function have been reported. ClinVar contains an entry for this variant (Variation ID: 1206629). Based on the evidence outlined above, the variant was classified as uncertain significance.

GeneDx
Classification: Uncertain significance. Last evaluated: 2025-05-27. Review status: criteria provided, single submitter. Criteria: GeneDx Variant Classification Process June 2021. Collection method: clinical testing. Allele origin: germline. Affected: yes.
Comment: In silico analysis supports that this missense variant has a deleterious effect on protein structure/function; Has not been previously published as pathogenic or benign in association with a COL11A2-related disorder to our knowledge; This variant is associated with the following publications: (PMID: 32381728)

Fulgent Genetics
Classification: Uncertain significance for Otospondylomegaepiphyseal dysplasia, autosomal dominant; Otospondylomegaepiphyseal dysplasia, autosomal recessive; Autosomal dominant nonsyndromic hearing loss 13; Autosomal recessive nonsyndromic hearing loss 53; Fibrochondrogenesis 2. Last evaluated: 2022-03-14. Review status: criteria provided, single submitter. Criteria: ACMG Guidelines, 2015. Collection method: clinical testing. Allele origin: unknown.

NM_080680.3(COL11A2):c.277C>T (p.Arg93Cys)

Gene: COL11A2 (collagen type XI alpha 2 chain; minus strand). Cytogenetic location: 6p21.32.
Variant type: single nucleotide variant.
Coding change: c.277C>T on transcript NM_080680.3 (MANE Select); coding-DNA position 277, C replaced by T.
Protein change: p.Arg93Cys; replaces arginine 93 with cysteine.
Molecular consequence: missense variant.
Genome position (GRCh38, 1-based): chr6:33,189,144, G>A on the plus strand (C>T on the coding strand, the complement: COL11A2 is on the minus strand). VCF-style: chr6-33189144-G-A. GRCh37 (hg19) VCF-style: chr6-33156921-G-A.
Other names: c.277C>T, p.Arg93Cys (NM_001163771.2, NM_080679.3, NM_080681.3); short protein forms R93C.
Identifiers: ClinVar variation 1206629 (VCV001206629.13), dbSNP rs372449299, ClinGen allele CA3751703.